The following is an entry in ClinVar:

NM_000360.4(TH):c.1368C>T (p.Ser456=)

Gene: TH (tyrosine hydroxylase; minus strand). Cytogenetic location: 11p15.5.
Variant type: single nucleotide variant.
Coding change: c.1368C>T on transcript NM_000360.4 (MANE Select); coding-DNA position 1368, C replaced by T.
Protein change: p.Ser456=; no amino-acid change (serine 456 retained).
Molecular consequence: synonymous variant.
Genome position (GRCh38, 1-based): chr11:2,164,359, G>A on the plus strand (C>T on the coding strand, the complement: TH is on the minus strand). VCF-style: chr11-2164359-G-A. GRCh37 (hg19) VCF-style: chr11-2185589-G-A.
Other names: c.1461C>T, p.Ser487= (NM_199292.3); c.1449C>T, p.Ser483= (NM_199293.3).
Identifiers: ClinVar variation 304068 (VCV000304068.50), dbSNP rs45538536, ClinGen allele CA5818263.
Genomic context (GRCh38, chr11:2,164,359, plus strand): 5'-CCGCACGGCCTGGGGGCTGTCCAGCACGTCGATGGCCAGCGTGTACGGGTCGAACTTCAC[G>A]GAGAAGGGGCGCTGGATGCGTGAGGCATAGCTCCTGGGGAGGAGAGCGGCAGAGCCCTCG-3'
Protein context (NP_000351.2, residues 446-466): SYASRIQRPF[Ser456=]VKFDPYTLAI

ClinVar aggregate classification (germline): Conflicting classifications of pathogenicity. Review status: criteria provided, conflicting classifications (1 of 4 stars). 7 submissions from 7 submitters: Uncertain significance (1); Benign (1); Likely benign (2). 3 of the submissions do not count toward it. Last evaluated 2026-01-22.

Conditions:
TH-deficient dopa-responsive dystonia. Also called: Tyrosine Hydroxylase-Deficient Dopa-Responsive Dystonia; Segawa syndrome, autosomal recessive; DYT-TH. Identifiers: Orphanet 101150, MedGen C2673535, MONDO:0011551, OMIM 605407.

Allele frequency attached by ClinVar (database versions not stated): TOPMed 0.00017; ESP Exome Variant Server 0.00023; gnomAD 0.00023; gnomAD exomes 0.00027 and 0.00032; ExAC 0.00035.
gnomAD v4.1: 476 of 1,552,314 alleles (0.031%); highest among the groups gnomAD compares: South Asian, 0.076%; 2 homozygotes.

Submissions (7):

Labcorp Genetics (formerly Invitae), Labcorp
Classification: Benign for TH-deficient dopa-responsive dystonia. Last evaluated: 2026-01-22. Review status: criteria provided, single submitter. Criteria: Invitae Variant Classification Sherloc (09022015). Collection method: clinical testing. Allele origin: germline.

CeGaT Center for Human Genetics Tuebingen
Classification: Likely benign. Last evaluated: 2022-05-01. Review status: criteria provided, single submitter. Criteria: CeGaT Center For Human Genetics Tuebingen Variant Classification Criteria Version 2. Collection method: clinical testing. Allele origin: germline. Affected: yes. Observed: 1 variant allele.
Comment: TH: BP4, BP7

GeneDx
Classification: Likely benign. Last evaluated: 2021-05-26. Review status: criteria provided, single submitter. Criteria: GeneDx Variant Classification Process June 2021. Collection method: clinical testing. Allele origin: germline. Affected: yes.
Comment: See Variant Classification Assertion Criteria.

Illumina Laboratory Services, Illumina
Classification: Uncertain significance for TH-deficient dopa-responsive dystonia. Last evaluated: 2018-01-12. Review status: criteria provided, single submitter. Criteria: ICSL Variant Classification Criteria 13 December 2019. Collection method: clinical testing. Allele origin: germline.

Natera, Inc.
Classification: Benign for Autosomal recessive Segawa syndrome. Last evaluated: 2020-09-16. Review status: no assertion criteria provided. Collection method: clinical testing. Allele origin: germline. Not counted in ClinVar's aggregate classification.

Clinical Genetics DNA and cytogenetics Diagnostics Lab, Erasmus MC, Erasmus Medical Center
Classification: Likely benign. Review status: no assertion criteria provided. Collection method: clinical testing. Allele origin: germline. Affected: yes. Study: VKGL Data-share Consensus. Not counted in ClinVar's aggregate classification.

Diagnostic Laboratory, Department of Genetics, University Medical Center Groningen
Classification: Likely benign. Review status: no assertion criteria provided. Collection method: clinical testing. Allele origin: germline. Affected: yes. Study: VKGL Data-share Consensus. Not counted in ClinVar's aggregate classification.